The following is an entry in ClinVar:

ClinVar aggregate classification (somatic clinical impact): Tier I - Strong (1 of 4 stars; one submission).

Conditions:
Giant cell tumor of bone. Also called: Bone giant cell tumor. Identifiers: Orphanet 363976, MedGen C0206638, MONDO:0005674, HP:0011847.

Submission:

CIViC Knowledgebase, Washington University School of Medicine
Classification: Tier I - Strong for Bone Giant Cell Tumor. Assertion type: diagnostic. Clinical significance: supports diagnosis. Last evaluated: 2026-04-24. Review status: criteria provided, single submitter. Criteria: AMP/ASCO/CAP Guidelines, 2017. Collection method: curation. Allele origin: somatic.
Comment: Giant cell tumor of bone (GCT) is a locally aggressive and rarely metastasizing neoplasm, accounting for approximately 5% of all primary bone tumors. Driver mutations affecting H3F3A at codon p.G34—most commonly p.G34W (also reported as p.G35W)—are highly specific to GCT and are not observed in other bone tumors. These mutations are present in the majority of cases, reported in up to 92% and 96% of GCTs in different studies (civic.EID:6469, civic.EID:12749). H3F3A mutations are restricted to glycine 34 substitutions, with rare variants such as G34L, G34R, and G34M also described. While highly specific, sensitivity may vary depending on the detection method, with lower rates reported using Sanger sequencing (civic.EID:12750). The World Health Organization (WHO) classification of tumours recognizes the detection of H3F3A p.G34W as a diagnostic criterion for GCT (WHO Classification of Tumours, 5th edition, Volume 3: Soft Tissue and Bone Tumours).

NM_002107.7(H3-3A):c.103G>T (p.Gly35Trp)

Gene: H3-3A (H3.3 histone A; plus strand). Cytogenetic location: 1q42.12.
Variant type: single nucleotide variant.
Coding change: c.103G>T on transcript NM_002107.7 (MANE Select); coding-DNA position 103, G replaced by T.
Protein change: p.Gly35Trp; replaces glycine 35 with tryptophan.
Molecular consequence: missense variant.
Genome position (GRCh38, 1-based): chr1:226,064,454, G>T. VCF-style: chr1-226064454-G-T. GRCh37 (hg19) VCF-style: chr1-226252155-G-T.
Other names: G34W; Gly34Trp; Gly35Trp; c.103G>T, p.Gly35Trp (NM_001379043.1, NM_001379045.1, NM_001379046.1 and 1 more transcripts); short protein forms G35W.
Identifiers: ClinVar variation 4845221 (VCV004845221.1).
Genomic context (GRCh38, chr1:226,064,454, plus strand): 5'-AAAGCACCCAGGAAGCAACTGGCTACAAAAGCCGCTCGCAAGAGTGCGCCCTCTACTGGA[G>T]GGGTGAAGAAACCTCATCGTTACAGGTATTAAAAAACAGGAAAAAAATGGGACAAAGTCT-3'
Protein context (NP_002098.1, residues 25-45): AARKSAPSTG[Gly35Trp]VKKPHRYRPG